The following is an entry in ClinVar:

ClinVar aggregate classification (germline): Likely pathogenic (1 of 4 stars; one submission).

Conditions:
Leigh syndrome (NULS). Also called: Leigh Disease; Subacute necrotizing encephalopathy; Necrotizing encephalopathy infantile subacute of Leigh; LEIGH SYNDROME, NUCLEAR; Leigh's necrotizing encephalopathy; Leigh's disease. Identifiers: Orphanet 506, MedGen C2931891, MONDO:0009723, OMIM 256000.

Submission:

Women's Health and Genetics/Laboratory Corporation of America, LabCorp
Classification: Likely pathogenic for Leigh syndrome. Last evaluated: 2022-05-02. Review status: criteria provided, single submitter. Criteria: LabCorp Variant Classification Summary - May 2015. Collection method: clinical testing. Allele origin: germline.
Comment: Variant summary: The variant identified by MLPA or other technology involves the deletion of exon 1 in the NDUFAF2 gene that contains the translation initiation codon. Another variant (c.1A>T (p.M1?)) that removes the initiation codon, is reported in individual(s) affected with Mitochondrial complex I deficiency (HGMD). A presumed nomenclature of c.(?_-128)_(127+1_128-1)del has been designated for the purposes of this classification. The exact breakpoint at the 5' end of this variant is unknown and therefore this deletion might extend upstream of the assayed region of the NDUFAF2 gene. A similar large deletion variant that includes exon 1 of the NDUFAF2 gene (together with exon 1 of the ERCC8 gene) was found at a frequency of 4.6e-05 in 21694 control chromosomes in the gnomAD database (structural variants dataset). To our knowledge, no occurrence of c.(?_-128)_(127+1_128-1)del in individuals affected with Leigh Syndrome and no experimental evidence demonstrating its impact on protein function have been reported. No clinical diagnostic laboratories have submitted clinical-significance assessments for this variant to ClinVar after 2014. Based on the evidence outlined above, the variant was classified as likely pathogenic.

NC_000005.9:g.(?_60240955)_(60241210_60368951)del

Gene: NDUFAF2 (NADH:ubiquinone oxidoreductase complex assembly factor 2; plus strand). Cytogenetic location: 5q12.1.
Variant type: Deletion.
Identifiers: ClinVar variation 1696037 (VCV001696037.1).